The following is an entry in ClinVar:

ClinVar aggregate classification (germline): Uncertain significance (1 of 4 stars; one submission).

Allele frequency attached by ClinVar (database versions not stated): gnomAD exomes below 0.00001; ExAC 0.00001.
gnomAD v4.1: 1 of 1,611,662 alleles (0.000062%); highest among the groups gnomAD compares: South Asian, 0.0011%; no homozygotes.

Submission:

Labcorp Genetics (formerly Invitae), Labcorp
Classification: Uncertain significance. Last evaluated: 2023-01-27. Review status: criteria provided, single submitter. Criteria: Invitae Variant Classification Sherloc (09022015). Collection method: clinical testing. Allele origin: germline.
Comment: In summary, the available evidence is currently insufficient to determine the role of this variant in disease. Therefore, it has been classified as a Variant of Uncertain Significance. Advanced modeling of protein sequence and biophysical properties (such as structural, functional, and spatial information, amino acid conservation, physicochemical variation, residue mobility, and thermodynamic stability) performed at Invitae indicates that this missense variant is not expected to disrupt FAM111A protein function. This variant has not been reported in the literature in individuals affected with FAM111A-related conditions. This variant is present in population databases (rs774693545, gnomAD 0.003%). This sequence change replaces valine, which is neutral and non-polar, with isoleucine, which is neutral and non-polar, at codon 268 of the FAM111A protein (p.Val268Ile).

NM_001312909.2(FAM111A):c.802G>A (p.Val268Ile)

Gene: FAM111A (FAM111 trypsin like peptidase A; plus strand). Cytogenetic location: 11q12.1.
Variant type: single nucleotide variant.
Coding change: c.802G>A on transcript NM_001312909.2 (MANE Select); coding-DNA position 802, G replaced by A.
Protein change: p.Val268Ile; replaces valine 268 with isoleucine.
Molecular consequence: missense variant.
Genome position (GRCh38, 1-based): chr11:59,152,470, G>A. VCF-style: chr11-59152470-G-A. GRCh37 (hg19) VCF-style: chr11-58919943-G-A.
Other names: c.802G>A, p.Val268Ile (NM_001374870.1, NM_022074.4, NM_198847.3 and 29 more transcripts); short protein forms V268I.
Identifiers: ClinVar variation 3002586 (VCV003002586.3), dbSNP rs774693545, ClinGen allele CA6016650.
Genomic context (GRCh38, chr11:59,152,470, plus strand): 5'-ACCATTTTAGAAAGCACCCAGCCAGTTGATGAATTAGAAGGCAGATACTTTCAGGTTGAG[G>A]TTGAGAAAAGAATGGTCCCCAGTGCAGCAGCTTCTCAGAATCCTGAGTCAGAGAAAAGAA-3'
Protein context (NP_001299838.1, residues 258-278): ELEGRYFQVE[Val268Ile]EKRMVPSAAA